The following is an entry in ClinVar:

ClinVar aggregate classification (germline): Uncertain significance (1 of 4 stars; one submission).

Conditions:
Arrhythmogenic right ventricular dysplasia 11. Also called: ARRHYTHMOGENIC RIGHT VENTRICULAR DYSPLASIA, FAMILIAL, 11; Arrhythmogenic Right Ventricular Dysplasia/Cardiomyopathy11; Arrhythmogenic right ventricular dysplasia 11 with mild palmoplantar keratoderma and woolly hair. Identifiers: MedGen C1864850, MONDO:0012506, OMIM 610476.

Submission:

Labcorp Genetics (formerly Invitae), Labcorp
Classification: Uncertain significance for Arrhythmogenic right ventricular dysplasia 11. Last evaluated: 2023-08-10. Review status: criteria provided, single submitter. Criteria: Invitae Variant Classification Sherloc (09022015). Collection method: clinical testing. Allele origin: germline.
Comment: This sequence change replaces threonine, which is neutral and polar, with alanine, which is neutral and non-polar, at codon 783 of the DSC2 protein (p.Thr783Ala). This variant is not present in population databases (gnomAD no frequency). This variant has not been reported in the literature in individuals affected with DSC2-related conditions. Advanced modeling of protein sequence and biophysical properties (such as structural, functional, and spatial information, amino acid conservation, physicochemical variation, residue mobility, and thermodynamic stability) performed at Invitae indicates that this missense variant is not expected to disrupt DSC2 protein function. In summary, the available evidence is currently insufficient to determine the role of this variant in disease. Therefore, it has been classified as a Variant of Uncertain Significance.

NM_024422.6(DSC2):c.2347A>G (p.Thr783Ala)

Gene: DSC2 (desmocollin 2; minus strand). Cytogenetic location: 18q12.1.
Variant type: single nucleotide variant.
Coding change: c.2347A>G on transcript NM_024422.6 (MANE Select); coding-DNA position 2347, A replaced by G.
Protein change: p.Thr783Ala; replaces threonine 783 with alanine.
Molecular consequence: missense variant.
Genome position (GRCh38, 1-based): chr18:31,069,055, T>C on the plus strand (A>G on the coding strand, the complement: DSC2 is on the minus strand). VCF-style: chr18-31069055-T-C. GRCh37 (hg19) VCF-style: chr18-28649021-T-C.
Other names: c.1918A>G, p.Thr640Ala (NM_001406506.1, NM_001406507.1); c.2347A>G, p.Thr783Ala (NM_004949.5); short protein forms T640A, T783A.
Identifiers: ClinVar variation 2750148 (VCV002750148.3), dbSNP rs2510938001, ClinGen allele CA402111735.